The following is an entry in ClinVar:

NC_000019.9:g.(?_3767604)_(3770822_?)del

Gene: RAX2 (retina and anterior neural fold homeobox 2; minus strand). Cytogenetic location: 19p13.3.
Variant type: Deletion.
Identifiers: ClinVar variation 3242726 (VCV003242726.1).

ClinVar aggregate classification (germline): Uncertain significance (1 of 4 stars; one submission).

Submission:

Labcorp Genetics (formerly Invitae), Labcorp
Classification: Uncertain significance. Last evaluated: 2022-03-10. Review status: criteria provided, single submitter. Criteria: Invitae Variant Classification Sherloc (09022015). Collection method: clinical testing. Allele origin: unknown.
Comment: In summary, the available evidence is currently insufficient to determine the role of this variant in disease. Therefore, it has been classified as a Variant of Uncertain Significance. Experimental studies and prediction algorithms are not available or were not evaluated, and the functional significance of this variant is currently unknown. This variant has not been reported in the literature in individuals affected with RAX2-related conditions. This variant results in the deletion of part of exon 3 (c.352_*3015del) of the RAX2 gene. While this is not anticipated to result in nonsense mediated decay, it is expected to disrupt the last 67 amino acid(s) of the RAX2 protein.